The following is an entry in ClinVar:

NM_001035.3(RYR2):c.6881A>T (p.Glu2294Val)

Gene: RYR2 (ryanodine receptor 2; plus strand). Cytogenetic location: 1q43.
Variant type: single nucleotide variant.
Coding change: c.6881A>T on transcript NM_001035.3 (MANE Select); coding-DNA position 6881, A replaced by T.
Protein change: p.Glu2294Val; replaces glutamic acid 2294 with valine.
Molecular consequence: missense variant.
Genome position (GRCh38, 1-based): chr1:237,638,445, A>T. VCF-style: chr1-237638445-A-T. GRCh37 (hg19) VCF-style: chr1-237801745-A-T.
Other names: short protein forms E2294V.
Identifiers: ClinVar variation 4849658 (VCV004849658.1).

ClinVar aggregate classification (germline): Uncertain significance (1 of 4 stars; one submission).

Conditions:
Catecholaminergic polymorphic ventricular tachycardia 1. Also called: VENTRICULAR TACHYCARDIA, STRESS-INDUCED POLYMORPHIC 1; RYR2-Related Catecholaminergic Polymorphic Ventricular Tachycardia; VENTRICULAR TACHYCARDIA, CATECHOLAMINERGIC POLYMORPHIC, 1, WITH OR WITHOUT ATRIAL DYSFUNCTION AND/OR DILATED CARDIOMYOPATHY. Identifiers: Orphanet 3286, MedGen C1631597, MONDO:0011484, OMIM 604772.

Submission:

Institute of Immunology and Genetics Kaiserslautern
Classification: Uncertain significance for Catecholaminergic polymorphic ventricular tachycardia 1. Last evaluated: 2022-12-25. Review status: criteria provided, single submitter. Criteria: ACMG Guidelines, 2015. Collection method: clinical testing. Allele origin: germline. Affected: yes.
Comment: ACMG Criteria:PM2, PP3, PP2; Variant was found in heterozygous state.